The following is an entry in ClinVar:

ClinVar aggregate classification (germline): Uncertain significance (1 of 4 stars; one submission).

Conditions:
Hereditary cancer-predisposing syndrome. Also called: Tumor predisposition; Hereditary Cancer Syndrome; Hereditary neoplastic syndrome; Neoplastic Syndromes, Hereditary. Identifiers: Orphanet 140162, MedGen C0027672, MeSH D009386, MONDO:0015356.

Submission:

Ambry Genetics
Classification: Uncertain significance for Hereditary cancer-predisposing syndrome. Last evaluated: 2024-05-04. Review status: criteria provided, single submitter. Criteria: Ambry Variant Classification Scheme 2023. Collection method: clinical testing. Allele origin: germline.
Comment: The p.V304G variant (also known as c.911T>G), located in coding exon 8 of the MRE11A gene, results from a T to G substitution at nucleotide position 911. The valine at codon 304 is replaced by glycine, an amino acid with dissimilar properties. This amino acid position is conserved. In addition, this alteration is predicted to be deleterious by in silico analysis. Based on the available evidence, the clinical significance of this variant remains unclear.

NM_005591.4(MRE11):c.911T>G (p.Val304Gly)

Gene: MRE11 (MRE11 double strand break repair nuclease; minus strand). Cytogenetic location: 11q21.
Variant type: single nucleotide variant.
Coding change: c.911T>G on transcript NM_005591.4 (MANE Select); coding-DNA position 911, T replaced by G.
Protein change: p.Val304Gly; replaces valine 304 with glycine.
Molecular consequence: missense variant.
Genome position (GRCh38, 1-based): chr11:94,470,577, A>C on the plus strand (T>G on the coding strand, the complement: MRE11 is on the minus strand). VCF-style: chr11-94470577-A-C. GRCh37 (hg19) VCF-style: chr11-94203743-A-C.
Other names: c.911T>G, p.Val304Gly (NM_001330347.2, NM_005590.4); short protein forms V304G.
Identifiers: ClinVar variation 3295823 (VCV003295823.1).